The following is an entry in ClinVar:

NM_144997.7(FLCN):c.1728_1735del (p.Ser577fs)

Gene: FLCN (folliculin; minus strand). Cytogenetic location: 17p11.2.
Variant type: Deletion.
Coding change: c.1728_1735del on transcript NM_144997.7 (MANE Select); coding-DNA positions 1728 to 1735, 8 bases deleted (GTCTCGGA; older notation c.1728_1735delGTCTCGGA).
Protein change: p.Ser577fs; shifts the reading frame from serine 577.
Molecular consequence: frameshift variant.
Genome position (GRCh38, 1-based): chr17:17,213,660-17,213,667, TCCGAGAC deleted on the plus strand (GTCTCGGA on the coding strand, the reverse complement: FLCN is on the minus strand); deleting any 8 consecutive bases within chr17:17,213,660-17,213,673 gives the same sequence; the c. name uses the placement nearest the transcript's 3' end. VCF-style (leftmost placement, unchanged base first): chr17-17213659-TTCCGAGAC-T. GRCh37 (hg19) VCF-style: chr17-17116973-TTCCGAGAC-T.
Other names: c.1782_1789del, p.Ser595fs (NM_001353229.2); c.1728_1735del, p.Ser577fs (NM_001353230.2, NM_001353231.2); c.1728_1735delGTCTCGGA (NM_144997.5); short protein forms S577fs, S595fs.
Identifiers: ClinVar variation 4642995 (VCV004642995.1).

ClinVar aggregate classification (germline): Uncertain significance (1 of 4 stars; one submission).

Conditions:
Hereditary cancer-predisposing syndrome. Also called: Neoplastic Syndromes, Hereditary; Tumor predisposition; Hereditary Cancer Syndrome; Hereditary neoplastic syndrome. Identifiers: Orphanet 140162, MedGen C0027672, MeSH D009386, MONDO:0015356.

Submission:

Ambry Genetics
Classification: Uncertain significance for Hereditary cancer-predisposing syndrome. Last evaluated: 2025-10-22. Review status: criteria provided, single submitter. Criteria: Ambry Variant Classification Scheme 2023. Collection method: clinical testing. Allele origin: germline.
Comment: The c.1728_1735delGTCTCGGA variant, located in coding exon 11 of the FLCN gene, results from a deletion of 8 nucleotides at nucleotide positions 1728 to 1735, causing a translational frameshift with a predicted alternate stop codon (p.S577Lfs*22). This alteration occurs at the 3' terminus of the gene, is not expected to trigger nonsense-mediated mRNA decay, and results in the elongation of the protein by 18 amino acids. This frameshift impacts the last 3 amino acids of the native protein. The exact functional effect of the altered amino acids is unknown. Based on the available evidence, the clinical significance of this variant remains unclear.